The following is an entry in ClinVar:

NM_005618.4(DLL1):c.2008T>C (p.Ser670Pro)

Genes: DLL1 (delta like canonical Notch ligand 1; minus strand), LOC126859913 (P300/CBP strongly-dependent group 1 enhancer GRCh37_chr6:170591232-170592431; plus strand). Cytogenetic location: 6q27.
Variant type: single nucleotide variant.
Coding change: c.2008T>C on transcript NM_005618.4 (MANE Select); coding-DNA position 2008, T replaced by C.
Protein change: p.Ser670Pro; replaces serine 670 with proline.
Molecular consequence: missense variant.
Genome position (GRCh38, 1-based): chr6:170,283,271, A>G on the plus strand (T>C on the coding strand, the complement: DLL1 is on the minus strand). VCF-style: chr6-170283271-A-G. GRCh37 (hg19) VCF-style: chr6-170592359-A-G.
Other names: short protein forms S670P.
Identifiers: ClinVar variation 1704851 (VCV001704851.2), dbSNP rs2483345031, ClinGen allele CA366506084.

ClinVar aggregate classification (germline): Uncertain significance (1 of 4 stars; one submission).

Submission:

GeneDx
Classification: Uncertain significance. Last evaluated: 2022-03-08. Review status: criteria provided, single submitter. Criteria: GeneDx Variant Classification Process June 2021. Collection method: clinical testing. Allele origin: germline. Affected: yes.
Comment: Has not been previously published as pathogenic or benign to our knowledge; Not observed at significant frequency in large population cohorts (gnomAD); In silico analysis supports that this missense variant does not alter protein structure/function